The following is an entry in ClinVar:

NM_000075.4(CDK4):c.76C>T (p.Pro26Ser)

Gene: CDK4 (cyclin dependent kinase 4; minus strand). Cytogenetic location: 12q14.1.
Variant type: single nucleotide variant.
Coding change: c.76C>T on transcript NM_000075.4 (MANE Select); coding-DNA position 76, C replaced by T.
Protein change: p.Pro26Ser; replaces proline 26 with serine.
Molecular consequence: missense variant.
Genome position (GRCh38, 1-based): chr12:57,751,642, G>A on the plus strand (C>T on the coding strand, the complement: CDK4 is on the minus strand). VCF-style: chr12-57751642-G-A. GRCh37 (hg19) VCF-style: chr12-58145425-G-A.
Other names: short protein forms P26S.
Identifiers: ClinVar variation 3637633 (VCV003637633.2).

ClinVar aggregate classification (germline): Uncertain significance (1 of 4 stars; one submission).

Conditions:
Familial melanoma. Also called: Hereditary melanoma; Hereditary cutaneous melanoma. Identifiers: Orphanet 618, MedGen C1512419, MONDO:0018961.

gnomAD v4.1: 1 of 1,614,184 alleles (0.000062%); highest among the groups gnomAD compares: Non-Finnish European, 0.000085%; no homozygotes.

Submission:

Labcorp Genetics (formerly Invitae), Labcorp
Classification: Uncertain significance for Familial melanoma. Last evaluated: 2024-05-02. Review status: criteria provided, single submitter. Criteria: Invitae Variant Classification Sherloc (09022015). Collection method: clinical testing. Allele origin: germline.
Comment: This sequence change replaces proline, which is neutral and non-polar, with serine, which is neutral and polar, at codon 26 of the CDK4 protein (p.Pro26Ser). This variant is not present in population databases (gnomAD no frequency). This variant has not been reported in the literature in individuals affected with CDK4-related conditions. Advanced modeling of protein sequence and biophysical properties (such as structural, functional, and spatial information, amino acid conservation, physicochemical variation, residue mobility, and thermodynamic stability) performed at Invitae indicates that this missense variant is not expected to disrupt CDK4 protein function with a negative predictive value of 95%. In summary, the available evidence is currently insufficient to determine the role of this variant in disease. Therefore, it has been classified as a Variant of Uncertain Significance.